The following is an entry in ClinVar:

NM_014225.6(PPP2R1A):c.*136C>T

Gene: PPP2R1A (protein phosphatase 2 scaffold subunit Aalpha; plus strand). Cytogenetic location: 19q13.41.
Variant type: single nucleotide variant.
Coding change: c.*136C>T on transcript NM_014225.6 (MANE Select); 136 bases downstream of the stop codon, C replaced by T.
Molecular consequence: 3 prime UTR variant. On other transcripts: non-coding transcript variant (1).
Genome position (GRCh38, 1-based): chr19:52,226,117, C>T. VCF-style: chr19-52226117-C-T. GRCh37 (hg19) VCF-style: chr19-52729370-C-T.
Other names: c.*136C>T (NM_001363656.2).
Identifiers: ClinVar variation 1031809 (VCV001031809.2), dbSNP rs41275804, ClinGen allele CA309836395.

ClinVar aggregate classification (germline): Uncertain significance. Review status: criteria provided, multiple submitters, no conflicts (2 of 4 stars). 2 submissions from 2 submitters: Uncertain significance (2). Last evaluated 2018-05-11.

Conditions:
Houge-Janssens syndrome 2. Also called: INTELLECTUAL DEVELOPMENTAL DISORDER, AUTOSOMAL DOMINANT 36; Microcephaly-corpus callosum hypoplasia-intellectual disability-facial dysmorphism syndrome; PPP2R1A-Related Neurodevelopmental Disorder. Identifiers: Orphanet 457284, MedGen C4225352, MONDO:0014605, OMIM 616362.

Allele frequency attached by ClinVar (database versions not stated): 1000 Genomes Project 0.00180; 1000 Genomes Project 30x 0.00187; gnomAD 0.00257 and 0.00265; TOPMed 0.00293.
gnomAD v4.1: 4,207 of 1,335,340 alleles (0.32%); highest among the groups gnomAD compares: Admixed American, 0.4%; 12 homozygotes.

Submissions (2):

Baylor Genetics
Classification: Uncertain significance for Houge-Janssens syndrome 2. Last evaluated: 2018-05-11. Review status: criteria provided, single submitter. Criteria: ACMG Guidelines, 2015. Collection method: clinical testing. Allele origin: paternal. Affected: yes.
Comment: This variant was determined to be of uncertain significance according to ACMG Guidelines, 2015 [PMID:25741868].

Breakthrough Genomics
Classification: Uncertain significance. Review status: criteria provided, single submitter. Criteria: ACMG Guidelines, 2015. Collection method: not provided. Allele origin: germline. Inheritance: Autosomal dominant inheritance. Affected: yes.